The following is an entry in ClinVar:

NM_005422.4(TECTA):c.701A>G (p.Gln234Arg)

Genes: TBCEL-TECTA (TBCEL-TECTA readthrough; plus strand), TECTA (tectorin alpha; plus strand). Cytogenetic location: 11q23.3.
Variant type: single nucleotide variant.
Coding change: c.701A>G on transcript NM_005422.4 (MANE Select); coding-DNA position 701, A replaced by G.
Protein change: p.Gln234Arg; replaces glutamine 234 with arginine.
Molecular consequence: missense variant.
Genome position (GRCh38, 1-based): chr11:121,113,629, A>G. VCF-style: chr11-121113629-A-G. GRCh37 (hg19) VCF-style: chr11-120984338-A-G.
Other names: NM_005422.2(TECTA):c.701A>G(p.Gln234Arg); NM_005422.2(TECTA):c.701A>G; c.1658A>G, p.Gln553Arg (NM_001378761.1); short protein forms Q234R, Q553R.
Identifiers: ClinVar variation 178532 (VCV000178532.32), dbSNP rs144682235, ClinGen allele CA182505.
Genomic context (GRCh38, chr11:121,113,629, plus strand): 5'-GAAACCTCACCAATTTCTTCAGCCTCCCGGGGTCAAGAACCCCCGAGATCGTGAATATCC[A>G]GGAGACCACAAACGTCAATGTTCCAGGCCGCTGGGCATTTAAAGTTGATGGAAAGGAAAT-3'
Protein context (NP_005413.2, residues 224-244): GSRTPEIVNI[Gln234Arg]ETTNVNVPGR

ClinVar aggregate classification (germline): Likely benign. Review status: reviewed by expert panel (3 of 4 stars). 12 submissions from 11 submitters: Likely benign (1). 11 of the submissions do not count toward it. Last evaluated 2018-09-28.

Conditions:
TECTA-related disorder. Also called: TECTA-related condition.
Nonsyndromic genetic hearing loss. Also called: Nonsyndromic hearing loss and deafness; Nonsyndromic genetic deafness; Non-syndromic genetic deafness. Identifiers: Orphanet 87884, MedGen C5680182, MONDO:0019497.
Autosomal recessive nonsyndromic hearing loss 21. Identifiers: Orphanet 90636, MedGen C1863655, MONDO:0011351, OMIM 603629.
Autosomal dominant nonsyndromic hearing loss 12. Also called: DEAFNESS, AUTOSOMAL DOMINANT 8. Identifiers: Orphanet 90635, MedGen C1832187, MONDO:0011102, OMIM 601543.

Allele frequency attached by ClinVar (database versions not stated): gnomAD exomes 0.00047; ExAC 0.00050; ESP Exome Variant Server 0.00138; 1000 Genomes Project 0.00140; 1000 Genomes Project 30x 0.00141; gnomAD 0.00166 and 0.00179; TOPMed 0.00227.

Submissions (12):

ClinGen Hearing Loss Variant Curation Expert Panel
Classification: Likely benign for Nonsyndromic genetic hearing loss. Last evaluated: 2018-09-28. Review status: reviewed by expert panel. Criteria: ClinGen HL ACMG Specifications v1. Collection method: curation. Allele origin: germline.
Comment: The filtering allele frequency of the c.701A>G (p.Gln234Arg) variant in the TECTA gene is 0.37% (104/23994) of African chromosomes by the Genome Aggregation Database (calculated by using inverse allele frequency at an online resource), which is a high enough frequency to be classified as likely benign based on the thresholds defined by the ClinGen Hearing Loss Expert Panel for autosomal recessive hearing loss variants (BS1).

CeGaT Center for Human Genetics Tuebingen
Classification: Likely benign. Last evaluated: 2026-06-01. Review status: criteria provided, single submitter. Criteria: CeGaT Center For Human Genetics Tuebingen Variant Classification Criteria Version 2. Collection method: clinical testing. Allele origin: germline. Affected: yes. Observed: 1 variant allele. Not counted in ClinVar's aggregate classification.
Comment: TECTA: BP4

Labcorp Genetics (formerly Invitae), Labcorp
Classification: Likely benign. Last evaluated: 2025-10-14. Review status: criteria provided, single submitter. Criteria: Invitae Variant Classification Sherloc (09022015). Collection method: clinical testing. Allele origin: germline. Not counted in ClinVar's aggregate classification.

Women's Health and Genetics/Laboratory Corporation of America, LabCorp
Classification: Likely benign. Last evaluated: 2025-06-30. Review status: criteria provided, single submitter. Criteria: LabCorp Variant Classification Summary - May 2015. Collection method: clinical testing. Allele origin: germline. Not counted in ClinVar's aggregate classification.
Comment: Variant summary: TECTA c.701A>G (p.Gln234Arg) results in a conservative amino acid change in the encoded protein sequence. Algorithms developed to predict the effect of missense changes on protein structure and function are either unavailable or do not agree on the potential impact of this missense change. The variant allele was found at a frequency of 0.00047 in 251314 control chromosomes, predominantly at a frequency of 0.0044 within the African or African-American subpopulation in the gnomAD database. The observed variant frequency within African or African-American control individuals in the gnomAD database exceeds the estimated maximal expected allele frequency for a pathogenic variant in TECTA causing Deafness, Autosomal Recessive 21 phenotype. c.701A>G has been observed in individual(s) affected with Deafness, without evidence for causality. These report(s) do not provide unequivocal conclusions about association of the variant with Deafness, Autosomal Recessive 21. To our knowledge, no experimental evidence demonstrating an impact on protein function has been reported. The following publication have been ascertained in the context of this evaluation (PMID: 26969326). ClinVar contains an entry for this variant (Variation ID: 178532). Based on the evidence outlined above, the variant was classified as likely benign.

Blueprint Genetics
Classification: Likely benign. Last evaluated: 2024-08-06. Review status: criteria provided, single submitter. Criteria: ACMG Guidelines, 2015. Collection method: clinical testing. Allele origin: germline. Not counted in ClinVar's aggregate classification.

GeneDx
Classification: Likely benign. Last evaluated: 2020-12-21. Review status: criteria provided, single submitter. Criteria: GeneDx Variant Classification Process June 2021. Collection method: clinical testing. Allele origin: germline. Affected: yes. Not counted in ClinVar's aggregate classification.
Comment: Identified in a patient with hearing loss who was also heterozygous for the R1033W variant (Sloan-Heggen et al., 2016); In silico analysis, which includes protein predictors and evolutionary conservation, supports that this variant does not alter protein structure/function; This variant is associated with the following publications: (PMID: 26969326)

Illumina Laboratory Services, Illumina
Classification: Likely benign for Autosomal dominant nonsyndromic hearing loss 12. Last evaluated: 2018-01-13. Review status: criteria provided, single submitter. Criteria: ICSL Variant Classification Criteria 13 December 2019. Collection method: clinical testing. Allele origin: germline. Not counted in ClinVar's aggregate classification.
Comment: This variant was observed in the ICSL laboratory as part of a predisposition screen in an ostensibly healthy population. It had not been previously curated by ICSL or reported in the Human Gene Mutation Database (HGMD: prior to June 1st, 2018), and was therefore a candidate for classification through an automated scoring system. Utilizing variant allele frequency, disease prevalence and penetrance estimates, and inheritance mode, an automated score was calculated to assess if this variant is too frequent to cause the disease. Based on the score and internal cut-off values, a variant classified as likely benign is not then subjected to further curation. The score for this variant resulted in a classification of likely benign for this disease.

Illumina Laboratory Services, Illumina
Classification: Uncertain significance for Autosomal recessive nonsyndromic hearing loss 21. Last evaluated: 2018-01-13. Review status: criteria provided, single submitter. Criteria: ICSL Variant Classification Criteria 13 December 2019. Collection method: clinical testing. Allele origin: germline. Not counted in ClinVar's aggregate classification.

Laboratory for Molecular Medicine, Mass General Brigham Personalized Medicine
Classification: Likely benign. Last evaluated: 2017-06-22. Review status: criteria provided, single submitter. Criteria: LMM Criteria. Collection method: clinical testing. Allele origin: germline. Observed: 5 variant alleles. Not counted in ClinVar's aggregate classification.
Comment: p.Gln234Arg in exon 5 of TECTA: This variant is not expected to have clinical si gnificance because it has been identified in 0.4% (104/23994) of African chromos omes by the Genome Aggregation Database (gnomAD, g; dbSNP rs144682235).

Eurofins Ntd Llc (ga)
Classification: Uncertain significance. Last evaluated: 2017-05-05. Review status: criteria provided, single submitter. Criteria: EGL Classification Definitions 2015. Collection method: clinical testing. Allele origin: germline. Observed: 2 variant alleles, 2 heterozygotes. Not counted in ClinVar's aggregate classification.

Breakthrough Genomics
Classification: Likely benign. Review status: criteria provided, single submitter. Criteria: ACMG Guidelines, 2015. Collection method: not provided. Allele origin: germline. Inheritance: Autosomal recessive inheritance. Affected: yes. Not counted in ClinVar's aggregate classification.

PreventionGenetics, part of Exact Sciences
Classification: Likely benign for TECTA-related condition. Last evaluated: 2021-11-22. Review status: no assertion criteria provided. Collection method: clinical testing. Allele origin: germline. Not counted in ClinVar's aggregate classification.
Comment: This variant is classified as likely benign based on ACMG/AMP sequence variant interpretation guidelines (Richards et al. 2015 PMID: 25741868, with internal and published modifications).

Literature cited by the submitters: PubMed 26969326 (cited by Women's Health and Genetics/Laboratory Corporation of America, LabCorp).